The following is an entry in ClinVar:

NM_014363.6(SACS):c.11374C>T (p.Arg3792Ter)

Gene: SACS (sacsin molecular chaperone; minus strand). Cytogenetic location: 13q12.12.
Variant type: single nucleotide variant.
Coding change: c.11374C>T on transcript NM_014363.6 (MANE Select); coding-DNA position 11374, C replaced by T.
Protein change: p.Arg3792Ter; replaces arginine 3792 with a stop codon.
Molecular consequence: nonsense.
Genome position (GRCh38, 1-based): chr13:23,332,502, G>A on the plus strand (C>T on the coding strand, the complement: SACS is on the minus strand). VCF-style: chr13-23332502-G-A. GRCh37 (hg19) VCF-style: chr13-23906641-G-A.
Other names: p.Arg3792*; c.10933C>T, p.Arg3645Ter (NM_001278055.2); c.11374C>T (NM_014363.5); short protein forms R3792*, R3645*.
Identifiers: ClinVar variation 370283 (VCV000370283.53), dbSNP rs565203731, ClinGen allele CA16041601.

ClinVar aggregate classification (germline): Pathogenic/Likely pathogenic. Review status: criteria provided, multiple submitters, no conflicts (2 of 4 stars). 11 submissions from 11 submitters: Pathogenic (8); Likely pathogenic (1). 2 of the submissions do not count toward it. Last evaluated 2025-06-04.

Conditions:
Spastic paraplegia. Identifiers: MedGen C0037772, HP:0001258.
Charlevoix-Saguenay spastic ataxia (SACS). Also called: Spastic ataxia of Charlevoix-Saguenay; SPASTIC ATAXIA 6, AUTOSOMAL RECESSIVE; AUTOSOMAL RECESSIVE SPASTIC ATAXIA OF CHARLEVOIX-SAGUENAY. Identifiers: Orphanet 98, MedGen C1849140, MONDO:0010041, OMIM 270550.

Allele frequency attached by ClinVar (database versions not stated): TOPMed 0.00002.
gnomAD v4.1: 10 of 1,613,738 alleles (0.00062%); highest among the groups gnomAD compares: South Asian, 0.0022%; no homozygotes.

Submissions (11):

GeneDx
Classification: Likely pathogenic. Last evaluated: 2025-06-04. Review status: criteria provided, single submitter. Criteria: GeneDx Variant Classification Process June 2021. Collection method: clinical testing. Allele origin: germline. Affected: yes.
Comment: Nonsense variant predicted to result in protein truncation, as the last 788 amino acids are lost, and other loss-of-function variants have been reported downstream in HGMD; Not observed at significant frequency in large population cohorts (gnomAD); This variant is associated with the following publications: (PMID: 34983064, 26288984, 26010040, 30384130, 18569450, 31743419, 23280630, 33624863, 30144656)

Variantyx, Inc.
Classification: Pathogenic for Charlevoix-Saguenay spastic ataxia. Last evaluated: 2025-03-11. Review status: criteria provided, single submitter. Criteria: Variantyx Assertion Criteria 2022. Collection method: clinical testing. Allele origin: germline. Inheritance: Autosomal recessive inheritance. Affected: no.
Comment: This is a nonsense variant in the SACS gene (OMIM: 604490). Pathogenic variants in this gene have been associated with autosomal recessive spastic ataxia of Charlevoix-Saguenay type. This variant introduces a premature termination codon in exon 10 out of 10 and is expected to result in loss of function, which is a known disease mechanism for SACS in this disorder (PMID: 36126381, 25260547) (PVS1). This variant has been identified in the homozygous or compound heterozygous state in at least 3 individuals reported in the published literature (PMID: 18569450, 31743419, 30144656) (PM3). It has a 0.0022% maximum allele frequency in non-founder control populations (PM2). Based on the current evidence, this variant is classified as pathogenic for autosomal recessive spastic ataxia of Charlevoix-Saguenay type.

Labcorp Genetics (formerly Invitae), Labcorp
Classification: Pathogenic for Spastic paraplegia. Last evaluated: 2025-02-14. Review status: criteria provided, single submitter. Criteria: Invitae Variant Classification Sherloc (09022015). Collection method: clinical testing. Allele origin: germline.
Comment: This sequence change creates a premature translational stop signal (p.Arg3792*) in the SACS gene. While this is not anticipated to result in nonsense mediated decay, it is expected to disrupt the last 788 amino acid(s) of the SACS protein. This variant is present in population databases (no rsID available, gnomAD 0.003%). This premature translational stop signal has been observed in individual(s) with clinical features of hereditary spastic paraplegia (PMID: 18569450, 31743419, 33624863). ClinVar contains an entry for this variant (Variation ID: 370283). This variant disrupts a region of the SACS protein in which other variant(s) (p.Asn4549Asp) have been determined to be pathogenic (PMID: 15156359, 21507954). This suggests that this is a clinically significant region of the protein, and that variants that disrupt it are likely to be disease-causing. For these reasons, this variant has been classified as Pathogenic.

Baylor Genetics
Classification: Pathogenic for Charlevoix-Saguenay spastic ataxia. Last evaluated: 2024-03-12. Review status: criteria provided, single submitter. Criteria: ACMG Guidelines, 2015. Collection method: clinical testing. Allele origin: unknown.

PROSPAX: an integrated multimodal progression  chart in spastic ataxias, Center for Neurology; Hertie-Institute for Clinical Brain Research
Classification: Pathogenic for Charlevoix-Saguenay spastic ataxia. Last evaluated: 2022-01-01. Review status: criteria provided, single submitter. Criteria: ACMG Guidelines, 2015. Collection method: research. Allele origin: germline. Affected: yes.

Genome-Nilou Lab
Classification: Pathogenic for Charlevoix-Saguenay spastic ataxia. Last evaluated: 2021-09-05. Review status: criteria provided, single submitter. Criteria: ACMG Guidelines, 2015. Collection method: clinical testing. Allele origin: germline. Affected: no.

CeGaT Center for Human Genetics Tuebingen
Classification: Pathogenic. Last evaluated: 2020-10-01. Review status: criteria provided, single submitter. Criteria: CeGaT Center For Human Genetics Tuebingen Variant Classification Criteria Version 2. Collection method: clinical testing. Allele origin: germline. Affected: yes. Observed: 1 variant allele.

Women's Health and Genetics/Laboratory Corporation of America, LabCorp
Classification: Pathogenic for Charlevoix-Saguenay spastic ataxia. Last evaluated: 2017-02-23. Review status: criteria provided, single submitter. Criteria: LabCorp Variant Classification Summary - May 2015. Collection method: clinical testing. Allele origin: germline.
Comment: Variant summary: The SACS c.11374C>T (p.Arg3792X) variant results in a premature termination codon, predicted to cause a truncated or absent SACS protein due to nonsense mediated decay, which are commonly known mechanisms for disease. Mutation taster predicts a damaging outcome for this variant. This variant is absent in 121060 control chromosomes while it was reported in multiple ARSACS patients indicating causality. In addition a clinical diagnostic laboratory classified this variant as likely pathogenic. Taken together, this variant is classified as pathogenic.

Paris Brain Institute, Inserm - ICM
Classification: Pathogenic for Charlevoix-Saguenay spastic ataxia. Review status: criteria provided, single submitter. Criteria: ACMG Guidelines, 2015. Collection method: clinical testing. Allele origin: unknown. Affected: yes. Observed: 1 variant allele.

Natera, Inc.
Classification: Pathogenic for Charlevoix-Saguenay type spastic ataxia. Last evaluated: 2020-09-11. Review status: no assertion criteria provided. Collection method: clinical testing. Allele origin: germline. Not counted in ClinVar's aggregate classification.

Counsyl
Classification: Likely pathogenic for Charlevoix-Saguenay spastic ataxia. Last evaluated: 2016-01-05. Review status: no assertion criteria provided. Collection method: clinical testing. Allele origin: unknown. Not counted in ClinVar's aggregate classification.

Literature cited by the submitters: PubMed 18569450 (cited by 4 submitters); PubMed 31743419 (cited by Variantyx, Inc. and Labcorp Genetics (formerly Invitae), Labcorp); PubMed 33624863 (cited by Variantyx, Inc. and Labcorp Genetics (formerly Invitae), Labcorp); PubMed 30144656 (cited by Variantyx, Inc.); PubMed 15156359 (cited by Labcorp Genetics (formerly Invitae), Labcorp); PubMed 21507954 (cited by Labcorp Genetics (formerly Invitae), Labcorp); PubMed 23280630 (cited by Women's Health and Genetics/Laboratory Corporation of America, LabCorp); PubMed 26010040 (cited by Women's Health and Genetics/Laboratory Corporation of America, LabCorp); PubMed 26288984 (cited by Women's Health and Genetics/Laboratory Corporation of America, LabCorp); PubMed 21450511 (cited by Women's Health and Genetics/Laboratory Corporation of America, LabCorp).